The following is an entry in ClinVar:

NM_001042492.3(NF1):c.3760T>C (p.Tyr1254His)

Gene: NF1 (neurofibromin 1; plus strand). Cytogenetic location: 17q11.2.
Variant type: single nucleotide variant.
Coding change: c.3760T>C on transcript NM_001042492.3 (MANE Select); coding-DNA position 3760, T replaced by C.
Protein change: p.Tyr1254His; replaces tyrosine 1254 with histidine.
Molecular consequence: missense variant.
Genome position (GRCh38, 1-based): chr17:31,235,662, T>C. VCF-style: chr17-31235662-T-C. GRCh37 (hg19) VCF-style: chr17-29562680-T-C.
Other names: c.3760T>C, p.Tyr1254His (NM_000267.4); short protein forms Y1254H.
Identifiers: ClinVar variation 1019044 (VCV001019044.8), dbSNP rs2067186968, ClinGen allele CA398992499.
Genomic context (GRCh38, chr17:31,235,662, plus strand): 5'-TGTTCTCAGGATGAACTAGCTCGAGTTCTGGTTACTCTGTTTGATTCTCGGCATTTACTC[T>C]ACCAACTGCTCTGGAACATGTTTTCTAAAGAAGTAGAATTGGCAGACTCCATGCAGACTC-3'
Protein context (NP_001035957.1, residues 1244-1264): VTLFDSRHLL[Tyr1254His]QLLWNMFSKE

ClinVar aggregate classification (germline): Uncertain significance. Review status: criteria provided, multiple submitters, no conflicts (2 of 4 stars). 3 submissions from 3 submitters: Uncertain significance (3). Last evaluated 2026-09-08.

Conditions:
Hereditary cancer-predisposing syndrome. Also called: Neoplastic Syndromes, Hereditary; Tumor predisposition; Hereditary neoplastic syndrome; Hereditary Cancer Syndrome. Identifiers: Orphanet 140162, MedGen C0027672, MeSH D009386, MONDO:0015356.
Cardiovascular phenotype. Identifiers: MedGen CN230736.
Neurofibromatosis, type 1 (NF1). Also called: NEUROFIBROMATOSIS, TYPE I, SOMATIC; Peripheral type neurofibromatosis; VON RECKLINGHAUSEN DISEASE; Neurofibromatosis, type I. Identifiers: Orphanet 636, MedGen C0027831, MONDO:0018975, OMIM 162200. Disease mechanism: loss of function.

Allele frequency attached by ClinVar (database versions not stated): gnomAD exomes below 0.00001.
gnomAD v4.1: 1 of 1,614,180 alleles (0.000062%); highest among the groups gnomAD compares: Non-Finnish European, 0.000085%; no homozygotes.

Submissions (3):

GeneDx
Classification: Uncertain significance. Last evaluated: 2026-09-08. Review status: criteria provided, single submitter. Criteria: GeneDx Variant Classification Process June 2021. Collection method: clinical testing. Allele origin: germline.
Comment: Not observed at significant frequency in large population cohorts (gnomAD); In silico analysis suggests that this missense variant does not alter protein structure/function; Has not been previously published as pathogenic or benign to our knowledge; This variant is associated with the following publications: (PMID: 25486365, 22807134)

Ambry Genetics
Classification: Uncertain significance for Cardiovascular phenotype; Hereditary cancer-predisposing syndrome. Last evaluated: 2026-05-22. Review status: criteria provided, single submitter. Criteria: Ambry Variant Classification Scheme 2023. Collection method: clinical testing. Allele origin: germline.
Comment: The p.Y1254H variant (also known as c.3760T>C), located in coding exon 28 of the NF1 gene, results from a T to C substitution at nucleotide position 3760. The tyrosine at codon 1254 is replaced by histidine, an amino acid with similar properties. This amino acid position is highly conserved in available vertebrate species. In addition, this alteration is predicted to be deleterious by in silico analysis. Based on the available evidence, the clinical significance of this variant remains unclear.

Labcorp Genetics (formerly Invitae), Labcorp
Classification: Uncertain significance for Neurofibromatosis, type 1. Last evaluated: 2025-04-23. Review status: criteria provided, single submitter. Criteria: Invitae Variant Classification Sherloc (09022015). Collection method: clinical testing. Allele origin: germline.
Comment: This sequence change replaces tyrosine, which is neutral and polar, with histidine, which is basic and polar, at codon 1254 of the NF1 protein (p.Tyr1254His). This variant is not present in population databases (gnomAD no frequency). This missense change has been observed in individual(s) with neurofibromatosis type 1 (internal data). ClinVar contains an entry for this variant (Variation ID: 1019044). Invitae Evidence Modeling of protein sequence and biophysical properties (such as structural, functional, and spatial information, amino acid conservation, physicochemical variation, residue mobility, and thermodynamic stability) indicates that this missense variant is expected to disrupt NF1 protein function with a positive predictive value of 95%. In summary, the available evidence is currently insufficient to determine the role of this variant in disease. Therefore, it has been classified as a Variant of Uncertain Significance.